The following is an entry in ClinVar:

ClinVar aggregate classification (germline): Uncertain significance (1 of 4 stars; one submission).

Submission:

Labcorp Genetics (formerly Invitae), Labcorp
Classification: Uncertain significance. Last evaluated: 2022-06-27. Review status: criteria provided, single submitter. Criteria: Invitae Variant Classification Sherloc (09022015). Collection method: clinical testing. Allele origin: germline.
Comment: In summary, the available evidence is currently insufficient to determine the role of this variant in disease. Therefore, it has been classified as a Variant of Uncertain Significance. Algorithms developed to predict the effect of missense changes on protein structure and function output the following: SIFT: "Tolerated"; PolyPhen-2: "Not Available"; Align-GVGD: "Class C0". The glutamic acid amino acid residue is found in multiple mammalian species, which suggests that this missense change does not adversely affect protein function. This variant has not been reported in the literature in individuals affected with PCLO-related conditions. This variant is not present in population databases (gnomAD no frequency). This sequence change replaces aspartic acid, which is acidic and polar, with glutamic acid, which is acidic and polar, at codon 3432 of the PCLO protein (p.Asp3432Glu).

NM_033026.6(PCLO):c.10296T>A (p.Asp3432Glu)

Gene: PCLO (piccolo presynaptic cytomatrix protein; minus strand). Cytogenetic location: 7q21.11.
Variant type: single nucleotide variant.
Coding change: c.10296T>A on transcript NM_033026.6 (MANE Select); coding-DNA position 10296, T replaced by A.
Protein change: p.Asp3432Glu; replaces aspartic acid 3432 with glutamic acid.
Molecular consequence: missense variant.
Genome position (GRCh38, 1-based): chr7:82,950,292, A>T on the plus strand (T>A on the coding strand, the complement: PCLO is on the minus strand). VCF-style: chr7-82950292-A-T. GRCh37 (hg19) VCF-style: chr7-82579608-A-T.
Other names: c.10296T>A, p.Asp3432Glu (NM_014510.3); short protein forms D3432E.
Identifiers: ClinVar variation 1948075 (VCV001948075.5), dbSNP rs2535675763, ClinGen allele CA367904549.